The following is an entry in ClinVar:

NM_001267550.2(TTN):c.73675C>T (p.Arg24559Trp)

Genes: TTN-AS1 (TTN antisense RNA 1; plus strand), TTN (titin; minus strand). Cytogenetic location: 2q31.2.
Variant type: single nucleotide variant.
Coding change: c.73675C>T on transcript NM_001267550.2 (MANE Select); coding-DNA position 73675, C replaced by T.
Protein change: p.Arg24559Trp; replaces arginine 24559 with tryptophan.
Molecular consequence: missense variant.
Genome position (GRCh38, 1-based): chr2:178,572,457, G>A on the plus strand (C>T on the coding strand, the complement: TTN is on the minus strand). VCF-style: chr2-178572457-G-A. GRCh37 (hg19) VCF-style: chr2-179437184-G-A.
Other names: p.R22918W:CGG>TGG; c.68752C>T, p.Arg22918Trp (NM_001256850.1); c.46480C>T, p.Arg15494Trp (NM_003319.4); c.65971C>T, p.Arg21991Trp (NM_133378.4); c.46855C>T, p.Arg15619Trp (NM_133432.3); c.47056C>T, p.Arg15686Trp (NM_133437.4); short protein forms R22918W, R24559W, R15494W, R15619W, R21991W, R15686W.
Identifiers: ClinVar variation 202850 (VCV000202850.2), dbSNP rs367904757, ClinGen allele CA310478.

ClinVar aggregate classification (germline): Uncertain significance (1 of 4 stars; one submission).

Allele frequency attached by ClinVar (database versions not stated): gnomAD 0.00001; gnomAD exomes 0.00001; TOPMed 0.00002; ESP Exome Variant Server 0.00008.
gnomAD v4.1: 10 of 1,612,054 alleles (0.00062%); highest among the groups gnomAD compares: African/African-American, 0.0053%; no homozygotes.

Submission:

GeneDx
Classification: Uncertain significance. Last evaluated: 2014-02-21. Review status: criteria provided, single submitter. Criteria: GeneDx Variant Classification (06012015). Collection method: clinical testing. Allele origin: germline. Affected: yes.
Comment: Missense variants in the TTN gene are considered 'unclassified' if they are not previously reported in the literature and do not have >1% frequency in the population to be considered a polymorphism. Research indicates that truncating mutations in the TTN gene are expected to account for approximately 25% of familial and 18% of sporadic idiopathic DCM; however, truncating variants in the TTN gene have been reported in approximately 3% of reported control alleles. There has been little investigation into non-truncating variants. (Herman D et al. Truncations of titin causing dilated cardiomyopathy. N Eng J Med 366:619-628, 2012) The variant is found in DCM-CRDM panel(s).